The following is an entry in ClinVar:

ClinVar aggregate classification (germline): Uncertain significance (1 of 4 stars; one submission).

gnomAD v4.1: 4 of 1,613,212 alleles (0.00025%); highest among the groups gnomAD compares: African/African-American, 0.0027%; no homozygotes.

Submission:

Dasa
Classification: Uncertain significance. Last evaluated: 2026-01-08. Review status: criteria provided, single submitter. Criteria: DASA Assertion Criteria. Collection method: clinical testing. Allele origin: germline.
Comment: NM_001394998.1(TANC2):c.4217C>T (p.Pro1406Leu) is a missense variant that results in the substitution of proline with leucine. This variant is rare in population databases. The currently available literature and clinical evidence are not sufficient to establish a definitive association between this variant and the reported condition. Therefore, this variant is classified as a variant of uncertain significance.

NM_001394998.1(TANC2):c.4217C>T (p.Pro1406Leu)

Gene: TANC2 (tetratricopeptide repeat, ankyrin repeat and coiled-coil containing 2; plus strand). Cytogenetic location: 17q23.3.
Variant type: single nucleotide variant.
Coding change: c.4217C>T on transcript NM_001394998.1 (MANE Select); coding-DNA position 4217, C replaced by T.
Protein change: p.Pro1406Leu; replaces proline 1406 with leucine.
Molecular consequence: missense variant.
Genome position (GRCh38, 1-based): chr17:63,418,356, C>T. VCF-style: chr17-63418356-C-T. GRCh37 (hg19) VCF-style: chr17-61495717-C-T.
Other names: c.3995C>T, p.Pro1332Leu (NM_001411076.1); c.3965C>T, p.Pro1322Leu (NM_025185.4); short protein forms P1322L, P1332L, P1406L.
Identifiers: ClinVar variation 4883491 (VCV004883491.2).